The following is an entry in ClinVar:

ClinVar aggregate classification (germline): Likely pathogenic (1 of 4 stars; one submission).

Conditions:
Autosomal recessive limb-girdle muscular dystrophy type 2D (LGMDR3). Also called: MUSCULAR DYSTROPHY, LIMB-GIRDLE, AUTOSOMAL RECESSIVE 3; ADHALINOPATHY, PRIMARY; DUCHENNE-LIKE AUTOSOMAL RECESSIVE MUSCULAR DYSTROPHY, TYPE 2. Identifiers: Orphanet 62, MedGen C2936332, MONDO:0011968, OMIM 608099. Disease mechanism: Affects gamma-sarcoglycan and also disrupts the integrity of the entire sarcoglycan complex..

Submission:

Labcorp Genetics (formerly Invitae), Labcorp
Classification: Likely pathogenic for Autosomal recessive limb-girdle muscular dystrophy type 2D. Last evaluated: 2021-02-25. Review status: criteria provided, single submitter. Criteria: Invitae Variant Classification Sherloc (09022015). Collection method: clinical testing. Allele origin: germline.
Comment: In summary, the currently available evidence indicates that the variant is pathogenic, but additional data are needed to prove that conclusively. Therefore, this variant has been classified as Likely Pathogenic. Algorithms developed to predict the effect of sequence changes on RNA splicing suggest that this variant may disrupt the consensus splice site, but this prediction has not been confirmed by published transcriptional studies. This variant has not been reported in the literature in individuals with SGCA-related conditions. This variant is not present in population databases (ExAC no frequency). This sequence change affects a donor splice site in intron 3 of the SGCA gene. It is expected to disrupt RNA splicing. Variants that disrupt the donor or acceptor splice site typically lead to a loss of protein function (PMID: 16199547), and loss-of-function variants in SGCA are known to be pathogenic (PMID: 9192266).

Literature cited by the submitters: PubMed 16199547; PubMed 9192266.

NM_000023.4(SGCA):c.312+1G>C

Gene: SGCA (sarcoglycan alpha; plus strand). Cytogenetic location: 17q21.33.
Variant type: single nucleotide variant.
Coding change: c.312+1G>C on transcript NM_000023.4 (MANE Select); the canonical splice donor site of the intron after coding-DNA position 312, G replaced by C.
Molecular consequence: splice donor variant.
Genome position (GRCh38, 1-based): chr17:50,167,737, G>C. VCF-style: chr17-50167737-G-C. GRCh37 (hg19) VCF-style: chr17-48245098-G-C.
Other names: c.312+1G>C (NM_001135697.3).
Identifiers: ClinVar variation 1486315 (VCV001486315.8), dbSNP rs2144494642, ClinGen allele CA400178062.